The following is an entry in ClinVar:

ClinVar aggregate classification (germline): Pathogenic. Review status: criteria provided, multiple submitters, no conflicts (2 of 4 stars). 2 submissions from 2 submitters: Pathogenic (2). Last evaluated 2022-01-19.

Conditions:
Bloom syndrome (BLM). Also called: Bloom-Torre-Machacek syndrome. Identifiers: Orphanet 125, MedGen C0005859, MONDO:0008876, OMIM 210900.
Hereditary cancer-predisposing syndrome. Also called: Tumor predisposition; Hereditary Cancer Syndrome; Hereditary neoplastic syndrome; Neoplastic Syndromes, Hereditary. Identifiers: Orphanet 140162, MedGen C0027672, MeSH D009386, MONDO:0015356.

Submissions (2):

Ambry Genetics
Classification: Pathogenic for Hereditary cancer-predisposing syndrome. Last evaluated: 2022-01-19. Review status: criteria provided, single submitter. Criteria: Ambry Variant Classification Scheme 2023. Collection method: clinical testing. Allele origin: germline.
Comment: The c.984delT pathogenic mutation, located in coding exon 4 of the BLM gene, results from a deletion of one nucleotide at nucleotide position 984, causing a translational frameshift with a predicted alternate stop codon (p.D329Tfs*20). This variant is considered to be rare based on population cohorts in the Genome Aggregation Database (gnomAD). This alteration is expected to result in loss of function by premature protein truncation or nonsense-mediated mRNA decay. As such, this alteration is interpreted as a disease-causing mutation.

Labcorp Genetics (formerly Invitae), Labcorp
Classification: Pathogenic for Bloom syndrome. Last evaluated: 2021-08-12. Review status: criteria provided, single submitter. Criteria: Invitae Variant Classification Sherloc (09022015). Collection method: clinical testing. Allele origin: germline.
Comment: This sequence change creates a premature translational stop signal (p.Asp329Thrfs*20) in the BLM gene. It is expected to result in an absent or disrupted protein product. Loss-of-function variants in BLM are known to be pathogenic (PMID: 17407155). This variant is not present in population databases (ExAC no frequency). This variant has not been reported in the literature in individuals affected with BLM-related conditions. For these reasons, this variant has been classified as Pathogenic.

Literature cited by the submitters: PubMed 17407155 (cited by Labcorp Genetics (formerly Invitae), Labcorp).

NM_000057.4(BLM):c.984del (p.Asp329fs)

Gene: BLM (BLM RecQ like helicase; plus strand). Cytogenetic location: 15q26.1.
Variant type: Deletion.
Coding change: c.984del on transcript NM_000057.4 (MANE Select); coding-DNA position 984, one base deleted (T; older notation c.984delT).
Protein change: p.Asp329fs; shifts the reading frame from aspartic acid 329.
Molecular consequence: frameshift variant. On other transcripts: 5 prime UTR variant (1).
Genome position (GRCh38, 1-based): chr15:90,754,835, T deleted. VCF-style (leftmost placement, unchanged base first): chr15-90754834-CT-C. GRCh37 (hg19) VCF-style: chr15-91298064-CT-C.
Other names: c.984del, p.Asp329fs (NM_001287246.2, NM_001287247.2); c.-308del (NM_001287248.2); short protein forms D329fs.
Identifiers: ClinVar variation 1446134 (VCV001446134.8), dbSNP rs2151152104, ClinGen allele CA2573151404.
Genomic context (GRCh38, chr15:90,754,834, plus strand): 5'-TATAGTATGATTGGCTTAACATTTTTTTTATTTGCAGTACGTTAAAGGACCTTGACACCT[CT>C]GACAGAAAAGAGGATGTTCTTAGCACATCAAAAGATCTTTTGTCAAAACCTGAGAAAATG-3'